The following is an entry in ClinVar:

ClinVar aggregate classification (germline): Conflicting classifications of pathogenicity. Review status: criteria provided, conflicting classifications (1 of 4 stars). 8 submissions from 8 submitters: Likely pathogenic (2); Uncertain significance (5); Likely benign (1). Last evaluated 2026-06-22.

Conditions:
Nonsyndromic Heritable Thoracic Aortic Aneurysms And Dissections.
Macular degeneration, early-onset (EOMD). Identifiers: MedGen C4015286, MONDO:0014501, OMIM 616118.
Congenital contractural arachnodactyly (CCA). Also called: BEALS SYNDROME; Arthrogryposis, distal, type 9; Beals-Hecht syndrome. Identifiers: Orphanet 115, MedGen C0220668, MONDO:0007363, OMIM 121050.
Familial thoracic aortic aneurysm and aortic dissection (TAAD). Also called: Thoracic aortic aneurysms and dissections. Identifiers: Orphanet 91387, MedGen C4707243, MONDO:0019625.

Allele frequency attached by ClinVar (database versions not stated): TOPMed 0.00004; gnomAD 0.00006 and 0.00005; ExAC 0.00007; gnomAD exomes 0.00013 and 0.00007; ESP Exome Variant Server 0.00015.
gnomAD v4.1: 194 of 1,613,866 alleles (0.012%); highest among the groups gnomAD compares: Non-Finnish European, 0.016%; no homozygotes.

Submissions (8):

Ambry Genetics
Classification: Uncertain significance for Familial thoracic aortic aneurysm and aortic dissection. Last evaluated: 2026-06-22. Review status: criteria provided, single submitter. Criteria: Ambry Variant Classification Scheme 2023. Collection method: clinical testing. Allele origin: germline.
Comment: The c.5800+5G>A intronic variant results from a G to A substitution 5 nucleotides after coding exon 45 in the FBN2 gene. This variant was reported in individual(s) with features consistent with aortic aneurysm or dissection with and without pectus deformity (external communication; Ambry internal data). This nucleotide position is highly conserved in available vertebrate species. In silico splice site analysis predicts that this alteration will not have any significant effect on splicing. Based on the available evidence, the clinical significance of this variant remains unclear.

Labcorp Genetics (formerly Invitae), Labcorp
Classification: Likely pathogenic for Congenital contractural arachnodactyly. Last evaluated: 2025-12-27. Review status: criteria provided, single submitter. Criteria: Invitae Variant Classification Sherloc (09022015). Collection method: clinical testing. Allele origin: germline.
Comment: This sequence change falls in intron 45 of the FBN2 gene. It does not directly change the encoded amino acid sequence of the FBN2 protein. It affects a nucleotide within the consensus splice site. This variant is present in population databases (rs375487064, gnomAD 0.01%). This variant has been observed in individuals with clinical features of congenital contractural arachnodactyly and/or thoracic aortic aneurysm and dissection (internal data). ClinVar contains an entry for this variant (Variation ID: 213404). Variants that disrupt the consensus splice site are a relatively common cause of aberrant splicing (PMID: 17576681, 9536098). Algorithms developed to predict the effect of sequence changes on RNA splicing suggest that this variant may disrupt the consensus splice site. In summary, the currently available evidence indicates that the variant is pathogenic, but additional data are needed to prove that conclusively. Therefore, this variant has been classified as Likely Pathogenic.

Women's Health and Genetics/Laboratory Corporation of America, LabCorp
Classification: Likely pathogenic for Nonsyndromic Heritable Thoracic Aortic Aneurysms And Dissections. Last evaluated: 2025-02-21. Review status: criteria provided, single submitter. Criteria: LabCorp Variant Classification Summary - May 2015. Collection method: clinical testing. Allele origin: germline.
Comment: Variant summary: FBN2 c.5800+5G>A alters a conserved nucleotide located close to a canonical splice site and therefore could affect mRNA splicing, leading to a significantly altered protein sequence. Several computational tools predict a significant impact on normal splicing: One predicts the variant abolishes a canonical 5' splicing donor site. Three predict the variant weakens the canonical 5' splicing donor site. However, these predictions have yet to be confirmed by functional studies. The variant allele was found at a frequency of 6.8e-05 in 251146 control chromosomes. While at a frequency exceeding that of Congenital Contractural Arachnodactyly (CCA), this frequency is not significantly higher than estimated for a pathogenic variant in FBN2 causing Nonsyndromic Heritable Thoracic Aortic Aneurysms And Dissections, allowing no conclusion about variant significance. c.5800+5G>A has been observed in individuals with clinical features of Congenital Contractural Arachnodactyly and/or Thoracic Aortic Aneurysm and Dissection (internal data). These data indicate that the variant is likely to be associated with disease. To our knowledge, no experimental evidence demonstrating an impact on protein function has been reported. ClinVar contains an entry for this variant (Variation ID: 213404). Based on the evidence outlined above, the variant was classified as likely pathogenic.

GeneDx
Classification: Uncertain significance. Last evaluated: 2024-05-22. Review status: criteria provided, single submitter. Criteria: GeneDx Variant Classification Process June 2021. Collection method: clinical testing. Allele origin: germline. Affected: yes.
Comment: Has not been previously published as pathogenic or benign to our knowledge; In silico analysis indicates that this variant does not alter splicing

Blueprint Genetics
Classification: Likely benign. Last evaluated: 2024-01-08. Review status: criteria provided, single submitter. Criteria: ACMG Guidelines, 2015. Collection method: clinical testing. Allele origin: germline.

Fulgent Genetics
Classification: Uncertain significance for Congenital contractural arachnodactyly; Macular degeneration, early-onset. Last evaluated: 2022-03-07. Review status: criteria provided, single submitter. Criteria: ACMG Guidelines, 2015. Collection method: clinical testing. Allele origin: unknown.

Illumina Laboratory Services, Illumina
Classification: Uncertain significance for Congenital contractural arachnodactyly. Last evaluated: 2018-01-13. Review status: criteria provided, single submitter. Criteria: ICSL Variant Classification Criteria 13 December 2019. Collection method: clinical testing. Allele origin: germline.

ARUP Laboratories, Molecular Genetics and Genomics, ARUP Laboratories
Classification: Uncertain significance. Last evaluated: 2016-08-25. Review status: criteria provided, single submitter. Criteria: ARUP Molecular Germline Variant Investigation Process. Collection method: clinical testing. Allele origin: germline.

Literature cited by the submitters: PubMed 17576681 (cited by Labcorp Genetics (formerly Invitae), Labcorp); PubMed 9536098 (cited by Labcorp Genetics (formerly Invitae), Labcorp).

NM_001999.4(FBN2):c.5800+5G>A

Gene: FBN2 (fibrillin 2; minus strand). Cytogenetic location: 5q23.3.
Variant type: single nucleotide variant.
Coding change: c.5800+5G>A on transcript NM_001999.4 (MANE Select); 5 bases into the intron after coding-DNA position 5800, G replaced by A.
Molecular consequence: intron variant.
Genome position (GRCh38, 1-based): chr5:128,304,952, C>T on the plus strand (G>A on the coding strand, the complement: FBN2 is on the minus strand). VCF-style: chr5-128304952-C-T. GRCh37 (hg19) VCF-style: chr5-127640644-C-T.
Identifiers: ClinVar variation 213404 (VCV000213404.29), dbSNP rs375487064, ClinGen allele CA322014.